The following is an entry in ClinVar:

ClinVar aggregate classification (germline): Uncertain significance. Review status: criteria provided, multiple submitters, no conflicts (2 of 4 stars). 2 submissions from 2 submitters: Uncertain significance (2). Last evaluated 2025-10-27.

Conditions:
Inborn genetic diseases. Identifiers: MedGen C0950123, MeSH D030342.

gnomAD v4.1: 88 of 1,598,384 alleles (0.0055%); highest among the groups gnomAD compares: African/African-American, 0.095%; no homozygotes.

Submissions (2):

Dasa
Classification: Uncertain significance. Last evaluated: 2025-10-27. Review status: criteria provided, single submitter. Criteria: DASA Assertion Criteria. Collection method: clinical testing. Allele origin: germline.
Comment: NM_015110.4(SMC5):c.676G>A (p.Glu226Lys) is a missense variant that results in the substitution of glutamic acid with lysine. This variant is rare in population databases. Computational prediction algorithms are consistent with a deleterious effect. The currently available literature and clinical evidence are not sufficient to establish a definitive association between this variant and the reported condition. Therefore, this variant is classified as a variant of uncertain significance.

Ambry Genetics
Classification: Uncertain significance for Inborn genetic diseases. Last evaluated: 2025-08-08. Review status: criteria provided, single submitter. Criteria: Ambry Variant Classification Scheme 2023. Collection method: clinical testing. Allele origin: germline.

NM_015110.4(SMC5):c.676G>A (p.Glu226Lys)

Gene: SMC5 (structural maintenance of chromosomes 5; plus strand). Cytogenetic location: 9q21.12.
Variant type: single nucleotide variant.
Coding change: c.676G>A on transcript NM_015110.4 (MANE Select); coding-DNA position 676, G replaced by A.
Protein change: p.Glu226Lys; replaces glutamic acid 226 with lysine.
Molecular consequence: missense variant.
Genome position (GRCh38, 1-based): chr9:70,278,623, G>A. VCF-style: chr9-70278623-G-A. GRCh37 (hg19) VCF-style: chr9-72893539-G-A.
Other names: short protein forms E226K.
Identifiers: ClinVar variation 4170417 (VCV004170417.3).
Genomic context (GRCh38, chr9:70,278,623, plus strand): 5'-CCAGAAATGCACAAATATCACTGTGAACTCAAAAACTTAAGGGAGAAAGAAAAACAGCTC[G>A]AGGTACTTTAAATAGACAACTCATTTGTATTGTTTCTTATTGATTTCTGTATCTCAGAAC-3'
Protein context (NP_055925.2, residues 216-236): KNLREKEKQL[Glu226Lys]TSCKEKTEYL